The following is an entry in ClinVar:

ClinVar aggregate classification (germline): Uncertain significance. Review status: criteria provided, multiple submitters, no conflicts (2 of 4 stars). 3 submissions from 3 submitters: Uncertain significance (3). Last evaluated 2024-11-09.

Conditions:
Hereditary cancer-predisposing syndrome. Also called: Tumor predisposition; Neoplastic Syndromes, Hereditary; Hereditary Cancer Syndrome; Hereditary neoplastic syndrome. Identifiers: Orphanet 140162, MedGen C0027672, MeSH D009386, MONDO:0015356.
Tuberous sclerosis syndrome (TSC). Also called: Tuberous Sclerosis Complex; Tuberous sclerosis. Identifiers: Orphanet 805, MedGen C0041341, MONDO:0001734.
Tuberous sclerosis 2 (TSC2). Identifiers: Orphanet 805, MedGen C1860707, MONDO:0013199, OMIM 613254.

Submissions (3):

Labcorp Genetics (formerly Invitae), Labcorp
Classification: Uncertain significance for Tuberous sclerosis 2. Last evaluated: 2024-11-09. Review status: criteria provided, single submitter. Criteria: Invitae Variant Classification Sherloc (09022015). Collection method: clinical testing. Allele origin: germline.
Comment: This variant, c.3535_3537del, results in the deletion of 1 amino acid(s) of the TSC2 protein (p.Glu1179del), but otherwise preserves the integrity of the reading frame. This variant is not present in population databases (gnomAD no frequency). This variant has been observed in individual(s) with tuberous sclerosis in the Leiden Open-source Variation Database. It was also present in a sibling and absent in one parent, but the affected status of these individuals is unknown (PMID: 21520333). ClinVar contains an entry for this variant (Variation ID: 406018). Experimental studies and prediction algorithms are not available or were not evaluated, and the functional significance of this variant is currently unknown. In summary, the available evidence is currently insufficient to determine the role of this variant in disease. Therefore, it has been classified as a Variant of Uncertain Significance.

Ambry Genetics
Classification: Uncertain significance for Hereditary cancer-predisposing syndrome. Last evaluated: 2024-08-13. Review status: criteria provided, single submitter. Criteria: Ambry Variant Classification Scheme 2023. Collection method: clinical testing. Allele origin: germline.
Comment: The c.3535_3537delGAG variant (also known as p.E1179del) is located in coding exon 29 of the TSC2 gene. This variant results from an in-frame GAG deletion at nucleotide positions 3535 to 3537. This results in the in-frame deletion of a glutamic acid at codon 1179. This amino acid position is not well conserved in available vertebrate species. In addition, the in silico prediction for this alteration is inconclusive (Choi Y et al. PLoS ONE. 2012; 7(10):e46688). Since supporting evidence is limited at this time, the clinical significance of this alteration remains unclear.

All of Us Research Program, National Institutes of Health
Classification: Uncertain significance for Tuberous sclerosis syndrome. Last evaluated: 2024-02-05. Review status: criteria provided, single submitter. Criteria: ACMG Guidelines, 2015. Collection method: clinical testing. Allele origin: germline. Inheritance: Autosomal dominant inheritance. Observed: 1 variant allele, 1 heterozygote.
Comment: This variant causes an in-frame deletion of one amino acid in the dimerization domain of the TSC2 protein. To our knowledge, functional studies have not been reported for this variant. This variant has not been reported in individuals affected with TSC2-related disorders in the literature. This variant has not been identified in the general population by the Genome Aggregation Database (gnomAD). The available evidence is insufficient to determine the role of this variant in disease conclusively. Therefore, this variant is classified as a Variant of Uncertain Significance.

This study involves interpretation of variants in research participants for the purpose of population health screening. Participant phenotype was not available at the time of variant classification. Additional details can be found in publication PMID: 35346344, PMCID: PMC8962531

Literature cited by the submitters: PubMed 21520333 (cited by Labcorp Genetics (formerly Invitae), Labcorp).

NM_000548.5(TSC2):c.3535_3537del (p.Glu1179del)

Gene: TSC2 (TSC complex subunit 2; plus strand). Cytogenetic location: 16p13.3.
Variant type: Deletion.
Coding change: c.3535_3537del on transcript NM_000548.5 (MANE Select); coding-DNA positions 3535 to 3537, 3 bases deleted (GAG; older notation c.3535_3537delGAG).
Protein change: p.Glu1179del; deletes glutamic acid 1179.
Molecular consequence: inframe deletion.
Genome position (GRCh38, 1-based): chr16:2,080,302-2,080,304, GAG deleted; deleting any 3 consecutive bases within chr16:2,080,300-2,080,304 gives the same sequence; the c. name uses the placement nearest the transcript's 3' end. VCF-style (leftmost placement, unchanged base first): chr16-2080299-CAGG-C. GRCh37 (hg19) VCF-style: chr16-2130300-CAGG-C.
Other names: c.3403_3405del, p.Glu1135del (NM_001077183.3, NM_001370404.1); c.3535_3537del, p.Glu1179del (NM_001114382.3); c.3295_3297del, p.Glu1099del (NM_001318827.2); c.3259_3261del, p.Glu1087del (NM_001318829.2); c.2803_2805del, p.Glu935del (NM_001318831.2); c.3436_3438del, p.Glu1146del (NM_001318832.2); c.3406_3408del, p.Glu1136del (NM_001363528.2, NM_001370405.1, NM_021055.3); short protein forms E1179del, E1135del, E1099del, E1087del, E1136del, E1146del, E935del.
Identifiers: ClinVar variation 406018 (VCV000406018.13), dbSNP rs1060500937, ClinGen allele CA16614780.